The following is an entry in ClinVar:

ClinVar aggregate classification (germline): Uncertain significance. Review status: criteria provided, multiple submitters, no conflicts (2 of 4 stars). 2 submissions from 2 submitters: Uncertain significance (2). Last evaluated 2023-06-12.

Conditions:
Emery-Dreifuss muscular dystrophy (EDMD). Also called: Scapuloperoneal syndrome, X-linked (formerly); Humeroperoneal neuromuscular disease, (formerly). Identifiers: Orphanet 261, MedGen C0410189, MONDO:0016830.

Allele frequency attached by ClinVar (database versions not stated): gnomAD exomes below 0.00001 and 0.00001; gnomAD 0.00001; TOPMed 0.00001.
gnomAD v4.1: 13 of 1,614,124 alleles (0.00081%); highest among the groups gnomAD compares: South Asian, 0.0022%; no homozygotes.

Submissions (2):

Ambry Genetics
Classification: Uncertain significance. Last evaluated: 2023-06-12. Review status: criteria provided, single submitter. Criteria: Ambry Variant Classification Scheme 2023. Collection method: clinical testing. Allele origin: germline.

Labcorp Genetics (formerly Invitae), Labcorp
Classification: Uncertain significance for Emery-Dreifuss muscular dystrophy. Last evaluated: 2022-07-19. Review status: criteria provided, single submitter. Criteria: Invitae Variant Classification Sherloc (09022015). Collection method: clinical testing. Allele origin: germline.
Comment: This variant has not been reported in the literature in individuals affected with SUN1-related conditions. This variant is present in population databases (no rsID available, gnomAD 0.0009%). This sequence change replaces serine, which is neutral and polar, with leucine, which is neutral and non-polar, at codon 538 of the SUN1 protein (p.Ser538Leu). ClinVar contains an entry for this variant (Variation ID: 461641). In summary, the available evidence is currently insufficient to determine the role of this variant in disease. Therefore, it has been classified as a Variant of Uncertain Significance. Algorithms developed to predict the effect of missense changes on protein structure and function are either unavailable or do not agree on the potential impact of this missense change (SIFT: "Tolerated"; PolyPhen-2: "Probably Damaging"; Align-GVGD: "Class C0").

NM_001130965.3(SUN1):c.1613C>T (p.Ser538Leu)

Gene: SUN1 (Sad1 and UNC84 domain containing 1; plus strand). Cytogenetic location: 7p22.3.
Variant type: single nucleotide variant.
Coding change: c.1613C>T on transcript NM_001130965.3 (MANE Select); coding-DNA position 1613, C replaced by T.
Protein change: p.Ser538Leu; replaces serine 538 with leucine.
Molecular consequence: missense variant. On other transcripts: non-coding transcript variant (3).
Genome position (GRCh38, 1-based): chr7:860,216, C>T. VCF-style: chr7-860216-C-T. GRCh37 (hg19) VCF-style: chr7-899853-C-T.
Other names: c.1304C>T, p.Ser435Leu (NM_001171944.2); c.1613C>T, p.Ser538Leu (NM_001367633.1, NM_001367634.1, NM_001367653.1); c.1262C>T, p.Ser421Leu (NM_001367635.1); c.1853C>T, p.Ser618Leu (NM_001367636.1, NM_001367691.1); c.1721C>T, p.Ser574Leu (NM_001367638.1); c.1154C>T, p.Ser385Leu (NM_001367639.1); c.1793C>T, p.Ser598Leu (NM_001367640.1); c.1895C>T, p.Ser632Leu (NM_001367641.1, NM_001367682.1); and 43 more; short protein forms S538L, S421L, S488L, S492L, S533L, S554L, S574L, S581L.
Identifiers: ClinVar variation 461641 (VCV000461641.10), dbSNP rs984369757, ClinGen allele CA152357945.